The following is an entry in ClinVar:

NM_001040108.2(MLH3):c.1553T>C (p.Phe518Ser)

Gene: MLH3 (mutL homolog 3; minus strand). Cytogenetic location: 14q24.3.
Variant type: single nucleotide variant.
Coding change: c.1553T>C on transcript NM_001040108.2 (MANE Select); coding-DNA position 1553, T replaced by C.
Protein change: p.Phe518Ser; replaces phenylalanine 518 with serine.
Molecular consequence: missense variant.
Genome position (GRCh38, 1-based): chr14:75,048,103, A>G on the plus strand (T>C on the coding strand, the complement: MLH3 is on the minus strand). VCF-style: chr14-75048103-A-G. GRCh37 (hg19) VCF-style: chr14-75514806-A-G.
Other names: c.1553T>C, p.Phe518Ser (NM_014381.3); short protein forms F518S.
Identifiers: ClinVar variation 3396769 (VCV003396769.1).

ClinVar aggregate classification (germline): Uncertain significance (1 of 4 stars; one submission).

gnomAD v4.1: 1 of 1,614,068 alleles (0.000062%); highest among the groups gnomAD compares: Admixed American, 0.0017%; no homozygotes.

Submission:

Ambry Genetics
Classification: Uncertain significance. Last evaluated: 2024-11-17. Review status: criteria provided, single submitter. Criteria: Ambry Variant Classification Scheme 2023. Collection method: clinical testing. Allele origin: germline.
Comment: The p.F518S variant (also known as c.1553T>C), located in coding exon 1 of the MLH3 gene, results from a T to C substitution at nucleotide position 1553. The phenylalanine at codon 518 is replaced by serine, an amino acid with highly dissimilar properties. This amino acid position is conserved. In addition, this alteration is predicted to be tolerated by in silico analysis. Based on the available evidence, the clinical significance of this variant remains unclear.